The following is an entry in ClinVar:

ClinVar aggregate classification (germline): Uncertain significance (1 of 4 stars; one submission).

Allele frequency attached by ClinVar (database versions not stated): gnomAD exomes below 0.00001 and 0.00001; gnomAD 0.00001.
gnomAD v4.1: 4 of 1,551,592 alleles (0.00026%); highest among the groups gnomAD compares: South Asian, 0.0012%; no homozygotes.

Submission:

Laboratory for Molecular Medicine, Mass General Brigham Personalized Medicine
Classification: Uncertain significance. Last evaluated: 2013-11-19. Review status: criteria provided, single submitter. Criteria: LMM Criteria. Collection method: clinical testing. Allele origin: germline. Observed: 1 variant allele.
Comment: Variant classified as Uncertain Significance - Favor Benign. The Asp588Asn varia nt in LOXHD1 has not been previously reported in individuals with hearing loss. Frequency data from large population studies is insufficient. Computational ana lyses (amino acid biochemical properties, conservation, SIFT, AlignGVGD, PolyPhe n-2) suggest that the variant may not impact the protein; though this informatio n is not predictive enough to rule out pathogenicity. In summary, additional dat a is needed to determine the clinical significance of this variant.

NM_001384474.1(LOXHD1):c.5095G>A (p.Asp1699Asn)

Gene: LOXHD1 (lipoxygenase homology PLAT domains 1; minus strand). Cytogenetic location: 18q21.1.
Variant type: single nucleotide variant.
Coding change: c.5095G>A on transcript NM_001384474.1 (MANE Select); coding-DNA position 5095, G replaced by A.
Protein change: p.Asp1699Asn; replaces aspartic acid 1699 with asparagine.
Molecular consequence: missense variant. On other transcripts: intron variant (1).
Genome position (GRCh38, 1-based): chr18:46,521,273, C>T on the plus strand (G>A on the coding strand, the complement: LOXHD1 is on the minus strand). VCF-style: chr18-46521273-C-T. GRCh37 (hg19) VCF-style: chr18-44101236-C-T.
Other names: c.1762G>A, p.Asp588Asn (NM_001145472.3); c.1474G>A, p.Asp492Asn (NM_001308013.2); c.5085+828G>A (NM_144612.7); short protein forms D588N, D492N, D1699N.
Identifiers: ClinVar variation 179408 (VCV000179408.4), dbSNP rs727504848, ClinGen allele CA184359.